The following is an entry in ClinVar:

ClinVar aggregate classification (germline): Pathogenic (1 of 4 stars; one submission).

Conditions:
Retinitis pigmentosa (RP). Identifiers: Orphanet 791, MedGen C0035334, MeSH D012174, MONDO:0019200, OMIM 268000. Inheritance: Autosomal dominant, autosomal recessive and X linked inheritance.

Submission:

Women's Health and Genetics/Laboratory Corporation of America, LabCorp
Classification: Pathogenic for Retinitis pigmentosa. Last evaluated: 2024-11-18. Review status: criteria provided, single submitter. Criteria: LabCorp Variant Classification Summary - May 2015. Collection method: clinical testing. Allele origin: germline.
Comment: Variant summary: MAK c.685delC (p.Gln229SerfsX6) results in a premature termination codon, predicted to cause a truncation of the encoded protein or absence of the protein due to nonsense mediated decay, which are commonly known mechanisms for disease. The variant was absent in 251320 control chromosomes. To our knowledge, no occurrence of c.685delC in individuals affected with Retinitis Pigmentosa and no experimental evidence demonstrating its impact on protein function have been reported. No submitters have cited clinical-significance assessments for this variant to ClinVar. Based on the evidence outlined above, the variant was classified as pathogenic.

NM_001242957.3(MAK):c.685del (p.Gln229fs)

Gene: MAK (male germ cell associated kinase; minus strand). Cytogenetic location: 6p24.2.
Variant type: Deletion.
Coding change: c.685del on transcript NM_001242957.3 (MANE Select); coding-DNA position 685, one base deleted (C; older notation c.685delC).
Protein change: p.Gln229fs; shifts the reading frame from glutamine 229.
Molecular consequence: frameshift variant. On other transcripts: non-coding transcript variant (2).
Genome position (GRCh38, 1-based): chr6:10,802,038, G deleted on the plus strand (C on the coding strand, the reverse complement: MAK is on the minus strand); the first of 2 consecutive G bases (chr6:10,802,038-10,802,039); deleting either gives the same sequence. VCF-style (leftmost placement, unchanged base first): chr6-10802037-TG-T. GRCh37 (hg19) VCF-style: chr6-10802270-TG-T.
Other names: c.685delC (NM_001242957.3); c.685del, p.Gln229fs (NM_001242385.2, NM_005906.6); c.583del, p.Gln195fs (NM_001377262.1); short protein forms Q195fs, Q229fs.
Identifiers: ClinVar variation 3630043 (VCV003630043.1).